The following is an entry in ClinVar:

ClinVar aggregate classification (germline): Pathogenic. Review status: criteria provided, multiple submitters, no conflicts (2 of 4 stars). 2 submissions from 2 submitters: Pathogenic (2). Last evaluated 2024-01-31.

Conditions:
Hereditary cancer-predisposing syndrome. Also called: Hereditary neoplastic syndrome; Neoplastic Syndromes, Hereditary; Tumor predisposition; Hereditary Cancer Syndrome. Identifiers: Orphanet 140162, MedGen C0027672, MeSH D009386, MONDO:0015356.
Familial cancer of breast. Also called: Hereditary breast cancer; hereditary breast carcinoma; BREAST CANCER, FAMILIAL. Identifiers: Orphanet 227535, MedGen C0346153, MONDO:0016419, OMIM 114480. Disease mechanism: loss of function.

Submissions (2):

Myriad Genetics, Inc.
Classification: Pathogenic for Familial cancer of breast. Last evaluated: 2024-01-31. Review status: criteria provided, single submitter. Criteria: Myriad Autosomal Dominant, Autosomal Recessive and X-Linked Classification Criteria (2023). Collection method: clinical testing. Allele origin: unknown.
Comment: This variant is considered pathogenic. This variant creates a frameshift predicted to result in premature protein truncation.

Ambry Genetics
Classification: Pathogenic for Hereditary cancer-predisposing syndrome. Last evaluated: 2021-05-05. Review status: criteria provided, single submitter. Criteria: Ambry Variant Classification Scheme 2023. Collection method: clinical testing. Allele origin: germline.
Comment: The c.7368delA pathogenic mutation, located in coding exon 49 of the ATM gene, results from a deletion of one nucleotide at nucleotide position 7368, causing a translational frameshift with a predicted alternate stop codon (p.E2457Rfs*19). This alteration was identified in an individual diagnosed with prostate cancer (Matejcic M et al. JCO Precis Oncol, 2020 Jan;4:32-43). Of note, this alteration is also designated as c.7366delA in published literature. In addition to the clinical data presented in the literature, this alteration is expected to result in loss of function by premature protein truncation or nonsense-mediated mRNA decay. As such, this alteration is interpreted as a disease-causing mutation.

Literature cited by the submitters: PubMed 32832836 (cited by Ambry Genetics).

NM_000051.4(ATM):c.7368del (p.Glu2457fs)

Genes: ATM (ATM serine/threonine kinase; plus strand), C11orf65 (chromosome 11 open reading frame 65; minus strand). Cytogenetic location: 11q22.3.
Variant type: Deletion.
Coding change: c.7368del on transcript NM_000051.4 (MANE Select); coding-DNA position 7368, one base deleted (A; older notation c.7368delA).
Protein change: p.Glu2457fs; shifts the reading frame from glutamic acid 2457.
Molecular consequence: frameshift variant. On other transcripts: intron variant (2).
Genome position (GRCh38, 1-based): chr11:108,330,274, A deleted; the last of 3 consecutive A bases (chr11:108,330,272-108,330,274); deleting any one gives the same sequence. VCF-style (leftmost placement, unchanged base first): chr11-108330271-GA-G. GRCh37 (hg19) VCF-style: chr11-108200998-GA-G.
Other names: c.7368del, p.Glu2457fs (NM_001351834.2); c.641-21201del (NM_001330368.2); c.*38+4948del (NM_001351110.2); short protein forms E2457fs.
Identifiers: ClinVar variation 1758536 (VCV001758536.2), dbSNP rs2547261626, ClinGen allele CA2580083357.